The following is an entry in ClinVar:

ClinVar aggregate classification (germline): Uncertain significance. Review status: criteria provided, multiple submitters, no conflicts (2 of 4 stars). 2 submissions from 2 submitters: Uncertain significance (2). Last evaluated 2024-11-18.

Conditions:
Inborn genetic diseases. Identifiers: MedGen C0950123, MeSH D030342.

gnomAD v4.1: 6 of 1,602,280 alleles (0.00037%); highest among the groups gnomAD compares: Admixed American, 0.0017%; no homozygotes.

Submissions (2):

Labcorp Genetics (formerly Invitae), Labcorp
Classification: Uncertain significance. Last evaluated: 2024-11-18. Review status: criteria provided, single submitter. Criteria: Invitae Variant Classification Sherloc (09022015). Collection method: clinical testing. Allele origin: germline.
Comment: This sequence change replaces arginine, which is basic and polar, with tryptophan, which is neutral and slightly polar, at codon 544 of the TELO2 protein (p.Arg544Trp). This variant is present in population databases (rs547173216, gnomAD 0.003%). This variant has not been reported in the literature in individuals affected with TELO2-related conditions. ClinVar contains an entry for this variant (Variation ID: 2610841). Invitae Evidence Modeling of protein sequence and biophysical properties (such as structural, functional, and spatial information, amino acid conservation, physicochemical variation, residue mobility, and thermodynamic stability) has been performed for this missense variant. However, the output from this modeling did not meet the statistical confidence thresholds required to predict the impact of this variant on TELO2 protein function. In summary, the available evidence is currently insufficient to determine the role of this variant in disease. Therefore, it has been classified as a Variant of Uncertain Significance.

Ambry Genetics
Classification: Uncertain significance for Inborn genetic diseases. Last evaluated: 2023-07-12. Review status: criteria provided, single submitter. Criteria: Ambry Variant Classification Scheme 2023. Collection method: clinical testing. Allele origin: germline.

NM_016111.4(TELO2):c.1630A>T (p.Arg544Trp)

Gene: TELO2 (telomere maintenance 2; plus strand). Cytogenetic location: 16p13.3.
Variant type: single nucleotide variant.
Coding change: c.1630A>T on transcript NM_016111.4 (MANE Select); coding-DNA position 1630, A replaced by T.
Protein change: p.Arg544Trp; replaces arginine 544 with tryptophan.
Molecular consequence: missense variant.
Genome position (GRCh38, 1-based): chr16:1,502,381, A>T. VCF-style: chr16-1502381-A-T. GRCh37 (hg19) VCF-style: chr16-1552382-A-T.
Other names: c.1630A>T, p.Arg544Trp (NM_001351846.2); short protein forms R544W.
Identifiers: ClinVar variation 2610841 (VCV002610841.3), dbSNP rs547173216, ClinGen allele CA7812237.